The following is an entry in ClinVar:

NM_004655.4(AXIN2):c.375C>G (p.Thr125=)

Gene: AXIN2 (axin 2; minus strand). Cytogenetic location: 17q24.1.
Variant type: single nucleotide variant.
Coding change: c.375C>G on transcript NM_004655.4 (MANE Select); coding-DNA position 375, C replaced by G.
Protein change: p.Thr125=; no amino-acid change (threonine 125 retained).
Molecular consequence: synonymous variant.
Genome position (GRCh38, 1-based): chr17:65,558,246, G>C on the plus strand (C>G on the coding strand, the complement: AXIN2 is on the minus strand). VCF-style: chr17-65558246-G-C. GRCh37 (hg19) VCF-style: chr17-63554364-G-C.
Other names: c.375C>G, p.Thr125= (NM_001363813.1).
Identifiers: ClinVar variation 793915 (VCV000793915.13), dbSNP rs1567769099, ClinGen allele CA501691868.

ClinVar aggregate classification (germline): Benign/Likely benign. Review status: criteria provided, multiple submitters, no conflicts (2 of 4 stars). 3 submissions from 3 submitters: Benign (1); Likely benign (2). Last evaluated 2025-08-20.

Conditions:
Hereditary cancer-predisposing syndrome. Also called: Neoplastic Syndromes, Hereditary; Hereditary neoplastic syndrome; Tumor predisposition; Hereditary Cancer Syndrome. Identifiers: Orphanet 140162, MedGen C0027672, MeSH D009386, MONDO:0015356.
Oligodontia-cancer predisposition syndrome. Also called: TOOTH AGENESIS-COLORECTAL CANCER SYNDROME. Identifiers: Orphanet 300576, MedGen C1837750, MONDO:0012075, OMIM 608615. Disease mechanism: loss of function.

Submissions (3):

Labcorp Genetics (formerly Invitae), Labcorp
Classification: Likely benign for Oligodontia-cancer predisposition syndrome. Last evaluated: 2025-08-20. Review status: criteria provided, single submitter. Criteria: Invitae Variant Classification Sherloc (09022015). Collection method: clinical testing. Allele origin: germline.

Myriad Genetics, Inc.
Classification: Benign for Oligodontia-cancer predisposition syndrome. Last evaluated: 2024-06-26. Review status: criteria provided, single submitter. Criteria: Myriad Autosomal Dominant, Autosomal Recessive and X-Linked Classification Criteria (2023). Collection method: clinical testing. Allele origin: unknown.
Comment: This variant is considered benign. This variant is a silent/synonymous amino acid change and it is not expected to impact splicing.

Ambry Genetics
Classification: Likely benign for Hereditary cancer-predisposing syndrome. Last evaluated: 2023-08-26. Review status: criteria provided, single submitter. Criteria: Ambry Variant Classification Scheme 2023. Collection method: clinical testing. Allele origin: germline.